The following is an entry in ClinVar:

ClinVar aggregate classification (germline): Uncertain significance (1 of 4 stars; one submission).

Allele frequency attached by ClinVar (database versions not stated): gnomAD 0.00001 and 0.00002; gnomAD exomes 0.00001; 1000 Genomes Project 0.00020; 1000 Genomes Project 30x 0.00031.
gnomAD v4.1: 12 of 1,613,764 alleles (0.00074%); highest among the groups gnomAD compares: South Asian, 0.0022%; no homozygotes.

Submission:

GeneDx
Classification: Uncertain significance. Last evaluated: 2017-04-14. Review status: criteria provided, single submitter. Criteria: GeneDx Variant Classification (06012015). Collection method: clinical testing. Allele origin: germline. Affected: yes.
Comment: The R1936C variant in the SORL1 gene has not been reported previously as a pathogenic variant, nor as a benign variant, to our knowledge. The R1936C variant is observed in 2/66734 (0.003%) alleles from individuals of European background, in large population cohorts (Lek et al., 2016; 1000 Genomes Consortium et al., 2015; Exome Variant Server).] The R1936C variant is a non-conservative amino acid substitution, which is likely to impact secondary protein structure as these residues differ in polarity, charge, size and/or other properties. This substitution occurs at a position that is conserved across species, and in silico analysis predicts this variant is probably damaging to the protein structure/function. We interpret R1936C as a variant of uncertain significance.

NM_003105.6(SORL1):c.5806C>T (p.Arg1936Cys)

Gene: SORL1 (sortilin related receptor 1; plus strand). Cytogenetic location: 11q24.1.
Variant type: single nucleotide variant.
Coding change: c.5806C>T on transcript NM_003105.6 (MANE Select); coding-DNA position 5806, C replaced by T.
Protein change: p.Arg1936Cys; replaces arginine 1936 with cysteine.
Molecular consequence: missense variant.
Genome position (GRCh38, 1-based): chr11:121,619,834, C>T. VCF-style: chr11-121619834-C-T. GRCh37 (hg19) VCF-style: chr11-121490543-C-T.
Other names: short protein forms R1936C.
Identifiers: ClinVar variation 426480 (VCV000426480.2), dbSNP rs79037187, ClinGen allele CA6330073.
Genomic context (GRCh38, chr11:121,619,834, plus strand): 5'-CAGGGGCCATCCTCTGACTACGTTGTAGTGAAGATGATCCCGGACAGCAGGCTTCCACCC[C>T]GTCACCTGCATGTGGTTCATACGGGCAAAACCTCCGTGGTCATCAAGTGGGAATCACCGT-3'
Protein context (NP_003096.2, residues 1926-1946): KMIPDSRLPP[Arg1936Cys]HLHVVHTGKT